The following is an entry in ClinVar:

NM_005476.7(GNE):c.498G>C (p.Gln166His)

Gene: GNE (glucosamine (UDP-N-acetyl)-2-epimerase/N-acetylmannosamine kinase; minus strand). Cytogenetic location: 9p13.3.
Variant type: single nucleotide variant.
Coding change: c.498G>C on transcript NM_005476.7 (MANE Select); coding-DNA position 498, G replaced by C.
Protein change: p.Gln166His; replaces glutamine 166 with histidine.
Molecular consequence: missense variant.
Genome position (GRCh38, 1-based): chr9:36,246,149, C>G on the plus strand (G>C on the coding strand, the complement: GNE is on the minus strand). VCF-style: chr9-36246149-C-G. GRCh37 (hg19) VCF-style: chr9-36246146-C-G.
Other names: c.591G>C (NM_001128227.2); c.321G>C, p.Gln107His (NM_001374798.1, NM_001190384.3, NM_001190388.2); c.591G>C, p.Gln197His (NM_001128227.3); c.498G>C, p.Gln166His (NM_001190383.3, NM_001374797.1); short protein forms Q107H, Q166H, Q197H.
Identifiers: ClinVar variation 991667 (VCV000991667.3), dbSNP rs1829863461, ClinGen allele CA373418418.
Genomic context (GRCh38, chr9:36,246,149, plus strand): 5'-ATAGGAAGGGCAGCCTGCCAAAAGGATGCGATCATGGTCCTCACACATGGATATCAGGTG[C>G]TGCTCTGCACTGCGGGTGCAGCACACATGATAATGAGCCAGTTTTGTTATGGCATGTCTG-3'
Protein context (NP_005467.1, residues 156-176): YHVCCTRSAE[Gln166His]HLISMCEDHD

ClinVar aggregate classification (germline): Uncertain significance. Review status: criteria provided, multiple submitters, no conflicts (2 of 4 stars). 3 submissions from 3 submitters: Uncertain significance (2). 1 of the submissions does not count toward it. Last evaluated 2025-11-22.

Conditions:
Sialuria. Also called: SIALURIA, FRENCH TYPE; Sialic Acid Storage Disease. Identifiers: Orphanet 3166, MedGen C0342853, MONDO:0010028, OMIM 269921.
GNE myopathy (NM). Also called: INCLUSION BODY MYOPATHY, HEREDITARY, AUTOSOMAL RECESSIVE; INCLUSION BODY MYOPATHY 2, AUTOSOMAL RECESSIVE; IBM 2; Inclusion body myopathy autosomal recessive; Inclusion body myopathy quadriceps sparing; NONAKA DISTAL MYOPATHY. Identifiers: Orphanet 602, MedGen C1853926, MONDO:0011603, OMIM 605820.
Inborn genetic diseases. Identifiers: MedGen C0950123, MeSH D030342.

Allele frequency attached by ClinVar (database versions not stated): gnomAD exomes 0.00001.
gnomAD v4.1: 3 of 1,614,148 alleles (0.00019%); highest among the groups gnomAD compares: Non-Finnish European, 0.00025%; no homozygotes.

Submissions (3):

Labcorp Genetics (formerly Invitae), Labcorp
Classification: Uncertain significance for Sialuria; GNE myopathy. Last evaluated: 2025-11-22. Review status: criteria provided, single submitter. Criteria: Invitae Variant Classification Sherloc (09022015). Collection method: clinical testing. Allele origin: germline.
Comment: This sequence change replaces glutamine, which is neutral and polar, with histidine, which is basic and polar, at codon 197 of the GNE protein (p.Gln197His). This variant is not present in population databases (gnomAD no frequency). This variant has not been reported in the literature in individuals affected with GNE-related conditions. ClinVar contains an entry for this variant (Variation ID: 991667). Invitae Evidence Modeling of protein sequence and biophysical properties (such as structural, functional, and spatial information, amino acid conservation, physicochemical variation, residue mobility, and thermodynamic stability) has been performed for this missense variant. However, the output from this modeling did not meet the statistical confidence thresholds required to predict the impact of this variant on GNE protein function. In summary, the available evidence is currently insufficient to determine the role of this variant in disease. Therefore, it has been classified as a Variant of Uncertain Significance.

Ambry Genetics
Classification: Uncertain significance for Inborn genetic diseases. Last evaluated: 2025-08-08. Review status: criteria provided, single submitter. Criteria: Ambry Variant Classification Scheme 2023. Collection method: clinical testing. Allele origin: germline.

Natera, Inc.
Classification: Uncertain significance for Nonaka myopathy. Last evaluated: 2020-08-13. Review status: no assertion criteria provided. Collection method: clinical testing. Allele origin: germline. Not counted in ClinVar's aggregate classification.